The following is an entry in ClinVar:

ClinVar aggregate classification (germline): Uncertain significance. Review status: criteria provided, multiple submitters, no conflicts (2 of 4 stars). 2 submissions from 2 submitters: Uncertain significance (2). Last evaluated 2026-02-27.

Conditions:
Congenital portosystemic shunt. Identifiers: Orphanet 480531, MedGen C1290495, MONDO:0018811.

gnomAD v4.1: 220 of 1,609,496 alleles (0.014%); highest among the groups gnomAD compares: East Asian, 0.28%; no homozygotes.

Submissions (2):

Department of Pediatrics, Graduate School of Medical Sciences, Kyushu University
Classification: Uncertain significance for Congenital portosystemic shunt. Last evaluated: 2026-02-27. Review status: criteria provided, single submitter. Criteria: ACMG Guidelines, 2015. Collection method: research. Allele origin: germline. Affected: yes.
Comment: Both variants are rare or absent in population databases such as gnomAD, and in silico prediction tools including CADD suggest potential deleterious effects. However, the relationship between this gene and CPSS has not been established. Therefore, the clinical significance of this variant is currently classified as a variant of uncertain significance (VUS).

Ambry Genetics
Classification: Uncertain significance. Last evaluated: 2025-09-25. Review status: criteria provided, single submitter. Criteria: Ambry Variant Classification Scheme 2023. Collection method: clinical testing. Allele origin: germline.

NM_032827.7(ATOH8):c.119A>G (p.Tyr40Cys)

Gene: ATOH8 (atonal bHLH transcription factor 8; plus strand). Cytogenetic location: 2p11.2.
Variant type: single nucleotide variant.
Coding change: c.119A>G on transcript NM_032827.7 (MANE Select); coding-DNA position 119, A replaced by G.
Protein change: p.Tyr40Cys; replaces tyrosine 40 with cysteine.
Molecular consequence: missense variant.
Genome position (GRCh38, 1-based): chr2:85,754,308, A>G. VCF-style: chr2-85754308-A-G. GRCh37 (hg19) VCF-style: chr2-85981431-A-G.
Other names: short protein forms Y40C.
Identifiers: ClinVar variation 4644003 (VCV004644003.2).